The following is an entry in ClinVar:

NM_000219.6(KCNE1):c.382T>G (p.Ser128Ala)

Gene: KCNE1 (potassium voltage-gated channel subfamily E regulatory subunit 1; minus strand). Cytogenetic location: 21q22.12.
Variant type: single nucleotide variant.
Coding change: c.382T>G on transcript NM_000219.6 (MANE Select); coding-DNA position 382, T replaced by G.
Protein change: p.Ser128Ala; replaces serine 128 with alanine.
Molecular consequence: missense variant.
Genome position (GRCh38, 1-based): chr21:34,449,253, A>C on the plus strand (T>G on the coding strand, the complement: KCNE1 is on the minus strand). VCF-style: chr21-34449253-A-C. GRCh37 (hg19) VCF-style: chr21-35821551-A-C.
Other names: c.382T>G, p.Ser128Ala (NM_001127668.4, NM_001127669.4, NM_001127670.4 and 4 more transcripts); short protein forms S128A.
Identifiers: ClinVar variation 3373875 (VCV003373875.2).

Conditions:
Long QT syndrome 5 (LQT5). Identifiers: Orphanet 101016, Orphanet 768, MedGen C1867904, MONDO:0013372, OMIM 613695.

Submission:

Roden Lab, Vanderbilt University Medical Center
No classification provided (evidence only). Condition: Long QT syndrome 5. Review status: no classification provided. Collection method: in vitro. Allele origin: not applicable. Functional consequence: Effect on ion channel function.
ClinVar note: "not provided" was previously submitted as the classification for the variant. However, the classification appeared to be based only on an observation of functional data so it was converted to no classification on 2025-07-30.